The following is an entry in ClinVar:

ClinVar aggregate classification (germline): Benign/Likely benign. Review status: criteria provided, multiple submitters, no conflicts (2 of 4 stars). 5 submissions from 5 submitters: Benign (1); Likely benign (3). 1 of the submissions does not count toward it. Last evaluated 2025-04-07.

Conditions:
ELANE-related disorder. Also called: ELANE-related condition.
Neutropenia, severe congenital, 1, autosomal dominant. Identifiers: MedGen C1859966, MONDO:0042490, OMIM 202700.
Cyclical neutropenia. Also called: Cyclic hematopoiesis; Cyclic Neutropenia. Identifiers: Orphanet 2686, MedGen C0221023, MONDO:0008090, OMIM 162800, HP:0040289. Disease mechanism: loss of function.
Inborn genetic diseases. Identifiers: MedGen C0950123, MeSH D030342.

Allele frequency attached by ClinVar (database versions not stated): gnomAD 0.00002 and 0.00003; TOPMed 0.00005; 1000 Genomes Project 30x 0.00016; 1000 Genomes Project 0.00020.
gnomAD v4.1: 28 of 1,613,562 alleles (0.0017%); highest among the groups gnomAD compares: East Asian, 0.02%; no homozygotes.

Submissions (5):

Labcorp Genetics (formerly Invitae), Labcorp
Classification: Likely benign for Neutropenia, severe congenital, 1, autosomal dominant; Cyclical neutropenia. Last evaluated: 2025-04-07. Review status: criteria provided, single submitter. Criteria: Invitae Variant Classification Sherloc (09022015). Collection method: clinical testing. Allele origin: germline.

Ambry Genetics
Classification: Likely benign for Inborn genetic diseases. Last evaluated: 2024-11-25. Review status: criteria provided, single submitter. Criteria: Ambry Variant Classification Scheme 2023. Collection method: clinical testing. Allele origin: germline.

Blueprint Genetics
Classification: Likely benign. Last evaluated: 2018-11-17. Review status: criteria provided, single submitter. Criteria: ACMG Guidelines, 2015. Collection method: clinical testing. Allele origin: germline.

GeneDx
Classification: Benign. Last evaluated: 2015-03-03. Review status: criteria provided, single submitter. Criteria: GeneDx Variant Classification Process June 2021. Collection method: clinical testing. Allele origin: germline. Affected: yes.

PreventionGenetics, part of Exact Sciences
Classification: Likely benign for ELANE-related condition. Last evaluated: 2019-08-27. Review status: no assertion criteria provided. Collection method: clinical testing. Allele origin: germline. Not counted in ClinVar's aggregate classification.
Comment: This variant is classified as likely benign based on ACMG/AMP sequence variant interpretation guidelines (Richards et al. 2015 PMID: 25741868, with internal and published modifications).

NM_001972.4(ELANE):c.687C>T (p.Pro229=)

Gene: ELANE (elastase, neutrophil expressed; plus strand). Cytogenetic location: 19p13.3.
Variant type: single nucleotide variant.
Coding change: c.687C>T on transcript NM_001972.4 (MANE Select); coding-DNA position 687, C replaced by T.
Protein change: p.Pro229=; no amino-acid change (proline 229 retained).
Molecular consequence: synonymous variant.
Genome position (GRCh38, 1-based): chr19:856,047, C>T. VCF-style: chr19-856047-C-T. GRCh37 (hg19) VCF-style: chr19-856047-C-T.
Other names: c.687C>T (NM_001972.3).
Identifiers: ClinVar variation 701487 (VCV000701487.18), dbSNP rs199670861, ClinGen allele CA9026141.